The following is an entry in ClinVar:

ClinVar aggregate classification (germline): Uncertain significance (1 of 4 stars; one submission).

Submission:

GeneDx
Classification: Uncertain significance. Last evaluated: 2023-01-06. Review status: criteria provided, single submitter. Criteria: GeneDx Variant Classification Process June 2021. Collection method: clinical testing. Allele origin: germline. Affected: yes.
Comment: Not observed at significant frequency in large population cohorts (gnomAD); In silico analysis supports that this missense variant has a deleterious effect on protein structure/function; Has not been previously published as pathogenic or benign to our knowledge

NM_014975.3(MAST1):c.2424C>G (p.Ser808Arg)

Genes: MAST1 (microtubule associated serine/threonine kinase 1; plus strand), LOC112543452 (Sharpr-MPRA regulatory region 6054; plus strand). Cytogenetic location: 19p13.13.
Variant type: single nucleotide variant.
Coding change: c.2424C>G on transcript NM_014975.3 (MANE Select); coding-DNA position 2424, C replaced by G.
Protein change: p.Ser808Arg; replaces serine 808 with arginine.
Molecular consequence: missense variant.
Genome position (GRCh38, 1-based): chr19:12,867,835, C>G. VCF-style: chr19-12867835-C-G. GRCh37 (hg19) VCF-style: chr19-12978649-C-G.
Other names: short protein forms S808R.
Identifiers: ClinVar variation 2571696 (VCV002571696.1), dbSNP rs770208696, ClinGen allele CA404279316.